The following is an entry in ClinVar:

NM_000243.3(MEFV):c.1212C>A (p.His404Gln)

Gene: MEFV (MEFV innate immunity regulator, pyrin; minus strand). Cytogenetic location: 16p13.3.
Variant type: single nucleotide variant.
Coding change: c.1212C>A on transcript NM_000243.3 (MANE Select); coding-DNA position 1212, C replaced by A.
Protein change: p.His404Gln; replaces histidine 404 with glutamine.
Molecular consequence: missense variant.
Genome position (GRCh38, 1-based): chr16:3,249,479, G>T on the plus strand (C>A on the coding strand, the complement: MEFV is on the minus strand). VCF-style: chr16-3249479-G-T. GRCh37 (hg19) VCF-style: chr16-3299479-G-T.
Other names: c.579C>A, p.His193Gln (NM_001198536.2); short protein forms H193Q, H404Q.
Identifiers: ClinVar variation 1059440 (VCV001059440.9), dbSNP rs561866815, ClinGen allele CA394469417.

ClinVar aggregate classification (germline): Uncertain significance (1 of 4 stars; one submission).

Conditions:
Familial Mediterranean fever (FMF). Also called: POLYSEROSITIS, FAMILIAL PAROXYSMAL; POLYSEROSITIS, RECURRENT; Periodic peritonitis; Benign paroxysmal peritonitis. Identifiers: Orphanet 342, MedGen C0031069, MONDO:0018088, OMIM 249100. Disease mechanism: gain of function.

Submission:

Labcorp Genetics (formerly Invitae), Labcorp
Classification: Uncertain significance for Familial Mediterranean fever. Last evaluated: 2020-02-27. Review status: criteria provided, single submitter. Criteria: Invitae Variant Classification Sherloc (09022015). Collection method: clinical testing. Allele origin: germline.
Comment: This sequence change replaces histidine with glutamine at codon 404 of the MEFV protein (p.His404Gln). The histidine residue is moderately conserved and there is a small physicochemical difference between histidine and glutamine. This variant is not present in population databases (ExAC no frequency). This variant has not been reported in the literature in individuals with MEFV-related conditions. Algorithms developed to predict the effect of missense changes on protein structure and function are either unavailable or do not agree on the potential impact of this missense change (SIFT: "Deleterious"; PolyPhen-2: "Probably Damaging"; Align-GVGD: "Class C0"). In summary, the available evidence is currently insufficient to determine the role of this variant in disease. Therefore, it has been classified as a Variant of Uncertain Significance.